The following is an entry in ClinVar:

ClinVar aggregate classification (germline): Uncertain significance (1 of 4 stars; one submission).

Conditions:
Cohen syndrome (COH1). Also called: PEPPER SYNDROME; Cutis verticis gyrata, retinitis pigmentosa, and sensorineural deafness. Identifiers: Orphanet 193, MedGen C0265223, MONDO:0008999, OMIM 216550.

Allele frequency attached by ClinVar (database versions not stated): gnomAD exomes 0.00001; TOPMed 0.00001; gnomAD 0.00002.
gnomAD v4.1: 11 of 1,612,660 alleles (0.00068%); highest among the groups gnomAD compares: South Asian, 0.012%; no homozygotes.

Submission:

Labcorp Genetics (formerly Invitae), Labcorp
Classification: Uncertain significance for Cohen syndrome. Last evaluated: 2022-08-07. Review status: criteria provided, single submitter. Criteria: Invitae Variant Classification Sherloc (09022015). Collection method: clinical testing. Allele origin: germline.
Comment: This sequence change replaces threonine, which is neutral and polar, with isoleucine, which is neutral and non-polar, at codon 779 of the VPS13B protein (p.Thr779Ile). This variant is present in population databases (no rsID available, gnomAD 0.003%). This variant has not been reported in the literature in individuals affected with VPS13B-related conditions. Algorithms developed to predict the effect of missense changes on protein structure and function are either unavailable or do not agree on the potential impact of this missense change (SIFT: "Not Available"; PolyPhen-2: "Probably Damaging"; Align-GVGD: "Not Available"). In summary, the available evidence is currently insufficient to determine the role of this variant in disease. Therefore, it has been classified as a Variant of Uncertain Significance.

NM_152564.5(VPS13B):c.2336C>T (p.Thr779Ile)

Gene: VPS13B (vacuolar protein sorting 13 homolog B; plus strand). Cytogenetic location: 8q22.2.
Variant type: single nucleotide variant.
Coding change: c.2336C>T on transcript NM_152564.5 (MANE Select); coding-DNA position 2336, C replaced by T.
Protein change: p.Thr779Ile; replaces threonine 779 with isoleucine.
Molecular consequence: missense variant.
Genome position (GRCh38, 1-based): chr8:99,192,878, C>T. VCF-style: chr8-99192878-C-T. GRCh37 (hg19) VCF-style: chr8-100205106-C-T.
Other names: c.2336C>T, p.Thr779Ile (NM_015243.3, NM_017890.5); short protein forms T779I.
Identifiers: ClinVar variation 2153587 (VCV002153587.1), dbSNP rs1290255264, ClinGen allele CA371861461.
Genomic context (GRCh38, chr8:99,192,878, plus strand): 5'-TTTTGTTGTCTGTAAATGCTATTTACTGTATTGCGATTCTTTCTGTTTTCTTGTGCAGGA[C>T]CAAAAGATCTCAGATTGCTATAACTGAAGGTATATTTGAACTTCCAAATCTCACAATTCA-3'
Protein context (NP_689777.3, residues 769-789): GKLLKLPTCW[Thr779Ile]KRSQIAITEG